The following is an entry in ClinVar:

ClinVar aggregate classification (germline): Uncertain significance (1 of 4 stars; one submission).

Conditions:
Early-onset Lafora body disease. Also called: Epilepsy, progressive myoclonic, 10. Identifiers: Orphanet 324290, MedGen C4225258, MONDO:0014717, OMIM 616640.

Submission:

Labcorp Genetics (formerly Invitae), Labcorp
Classification: Uncertain significance for Early-onset Lafora body disease. Last evaluated: 2022-04-24. Review status: criteria provided, single submitter. Criteria: Invitae Variant Classification Sherloc (09022015). Collection method: clinical testing. Allele origin: germline.
Comment: This sequence change replaces phenylalanine, which is neutral and non-polar, with leucine, which is neutral and non-polar, at codon 362 of the PRDM8 protein (p.Phe362Leu). This variant is not present in population databases (gnomAD no frequency). This variant has not been reported in the literature in individuals affected with PRDM8-related conditions. Algorithms developed to predict the effect of missense changes on protein structure and function are either unavailable or do not agree on the potential impact of this missense change (SIFT: "Deleterious"; PolyPhen-2: "Benign"; Align-GVGD: "Class C0"). In summary, the available evidence is currently insufficient to determine the role of this variant in disease. Therefore, it has been classified as a Variant of Uncertain Significance.

NM_001099403.2(PRDM8):c.1084T>C (p.Phe362Leu)

Gene: PRDM8 (PR/SET domain 8; plus strand). Cytogenetic location: 4q21.21.
Variant type: single nucleotide variant.
Coding change: c.1084T>C on transcript NM_001099403.2 (MANE Select); coding-DNA position 1084, T replaced by C.
Protein change: p.Phe362Leu; replaces phenylalanine 362 with leucine.
Molecular consequence: missense variant.
Genome position (GRCh38, 1-based): chr4:80,202,546, T>C. VCF-style: chr4-80202546-T-C. GRCh37 (hg19) VCF-style: chr4-81123700-T-C.
Other names: c.1084T>C, p.Phe362Leu (NM_020226.4); short protein forms F362L.
Identifiers: ClinVar variation 1965606 (VCV001965606.5), dbSNP rs2109879102, ClinGen allele CA357398131.
Genomic context (GRCh38, chr4:80,202,546, plus strand): 5'-CCGGCCTCCAAGGAGGATCTGGTGTGCACACCGCAGCAGTACCGAGCCTCGGGCAGCTAC[T>C]TCGGCCTGGAAGAGAACGGCCGCCTCTTCGCGCCGCCAAGTCCCGAGACGGGCGAGGCGA-3'
Protein context (NP_001092873.1, residues 352-372): PQQYRASGSY[Phe362Leu]GLEENGRLFA